The following is an entry in ClinVar:

ClinVar aggregate classification (germline): Uncertain significance. Review status: criteria provided, single submitter (1 of 4 stars). 2 submissions from 2 submitters: Uncertain significance (1). 1 of the submissions does not count toward it. Last evaluated 2023-05-01.

Conditions:
Short stature. Identifiers: MedGen C0349588, HP:0004322.
Abnormality of the vertebral column. Identifiers: MedGen C4021789, HP:0000925.

Submissions (2):

CeGaT Center for Human Genetics Tuebingen
Classification: Uncertain significance. Last evaluated: 2023-05-01. Review status: criteria provided, single submitter. Criteria: CeGaT Center For Human Genetics Tuebingen Variant Classification Criteria Version 2. Collection method: clinical testing. Allele origin: germline. Affected: yes. Observed: 1 variant allele.
Comment: FLNB: PM1, PM2, PP3

Institute of Human Genetics, University of Wuerzburg
Classification: Uncertain significance for Short stature; Abnormality of the vertebral column. Review status: no assertion criteria provided. Collection method: clinical testing. Allele origin: unknown. Not counted in ClinVar's aggregate classification.

NM_001457.4(FLNB):c.364T>G (p.Ser122Ala)

Gene: FLNB (filamin B; plus strand). Cytogenetic location: 3p14.3.
Variant type: single nucleotide variant.
Coding change: c.364T>G on transcript NM_001457.4 (MANE Select); coding-DNA position 364, T replaced by G.
Protein change: p.Ser122Ala; replaces serine 122 with alanine.
Molecular consequence: missense variant.
Genome position (GRCh38, 1-based): chr3:58,077,117, T>G. VCF-style: chr3-58077117-T-G. GRCh37 (hg19) VCF-style: chr3-58062844-T-G.
Other names: c.364T>G, p.Ser122Ala (NM_001164317.2, NM_001164318.2, NM_001164319.2); short protein forms S122A.
Identifiers: ClinVar variation 1301866 (VCV001301866.28), dbSNP rs2106946532, ClinGen allele CA353333252.